The following is an entry in ClinVar:

NM_000179.3(MSH6):c.2092C>G (p.Gln698Glu)

Gene: MSH6 (mutS homolog 6; plus strand). Cytogenetic location: 2p16.3.
Variant type: single nucleotide variant.
Coding change: c.2092C>G on transcript NM_000179.3 (MANE Select); coding-DNA position 2092, C replaced by G.
Protein change: p.Gln698Glu; replaces glutamine 698 with glutamic acid.
Molecular consequence: missense variant.
Genome position (GRCh38, 1-based): chr2:47,800,075, C>G. VCF-style: chr2-47800075-C-G. GRCh37 (hg19) VCF-style: chr2-48027214-C-G.
Other names: c.1702C>G, p.Gln568Glu (NM_001281492.2); c.1186C>G, p.Gln396Glu (NM_001281493.2, NM_001281494.2); short protein forms Q698E, Q568E, Q396E.
Identifiers: ClinVar variation 89251 (VCV000089251.65), dbSNP rs63750832, ClinGen allele CA009674.
Genomic context (GRCh38, chr2:47,800,075, plus strand): 5'-GAATTGGCCCTCTCTGCTCTAGGTGGTTGTGTCTTCTACCTCAAAAAATGCCTTATTGAT[C>G]AGGAGCTTTTATCAATGGCTAATTTTGAAGAATATATTCCCTTGGATTCTGACACAGTCA-3'
Protein context (NP_000170.1, residues 688-708): VFYLKKCLID[Gln698Glu]ELLSMANFEE

ClinVar aggregate classification (germline): Conflicting classifications of pathogenicity. Review status: criteria provided, conflicting classifications (1 of 4 stars). 16 submissions from 16 submitters: Uncertain significance (13); Likely benign (1). 2 of the submissions do not count toward it. Last evaluated 2026-06-25.

Conditions:
Hereditary nonpolyposis colorectal neoplasms. Identifiers: MedGen C0009405, MeSH D003123.
Hereditary cancer-predisposing syndrome. Also called: Hereditary Cancer Syndrome; Tumor predisposition; Neoplastic Syndromes, Hereditary; Hereditary neoplastic syndrome. Identifiers: Orphanet 140162, MedGen C0027672, MeSH D009386, MONDO:0015356.
Lynch syndrome. Identifiers: Orphanet 144, MedGen C4552100, MONDO:0005835. Disease mechanism: loss of function.
Lynch syndrome 5 (LYNCH5). Also called: Hereditary non-polyposis colorectal cancer, type 5; Colorectal cancer, hereditary nonpolyposis, type 5. Identifiers: Orphanet 144, MedGen C1833477, MONDO:0013710, OMIM 614350. Disease mechanism: loss of function.
Endometrial carcinoma. Also called: Endometrial carcinoma, somatic. Identifiers: MedGen C0476089, MONDO:0002447, OMIM 608089, HP:0012114.

Allele frequency attached by ClinVar (database versions not stated): ExAC 0.00001; gnomAD exomes 0.00001; gnomAD 0.00002; TOPMed 0.00002.
gnomAD v4.1: 47 of 1,614,004 alleles (0.0029%); highest among the groups gnomAD compares: Middle Eastern, 0.016%; no homozygotes.

Submissions 1 to 13 of 16:

Women's Health and Genetics/Laboratory Corporation of America, LabCorp
Classification: Uncertain significance. Last evaluated: 2026-06-25. Review status: criteria provided, single submitter. Criteria: LabCorp Variant Classification Summary - May 2015. Collection method: clinical testing. Allele origin: germline.
Comment: Variant summary: MSH6 c.2092C>G (p.Gln698Glu) results in a conservative amino acid change in the encoded protein sequence. Algorithms developed to predict the effect of missense changes on protein structure and function are either unavailable or do not agree on the potential impact of this missense change. The variant allele was found at a frequency of 8e-06 in 250646 control chromosomes. The available data on variant occurrences in the general population are insufficient to allow any conclusion about variant significance. c.2092C>G has been observed in individuals affected with colorectal cancer, including two who met at least one of the Bethesda guidelines for Lynch syndrome (e.g. Wang_1999, Loizidou_2014, Damaso_2020). The variant has also been reported in an individual with renal cell carcinoma and an individual with colorectal polyposis (Smith_2021, Goshayeshi_2025). However, these reports do not provide unequivocal conclusions about association of the variant with disease. To our knowledge, no experimental evidence demonstrating an impact on protein function has been reported. The following publications have been ascertained in the context of this evaluation (PMID: 32635641, 40223084, 25133505, 32830346, 10480359). ClinVar contains an entry for this variant (Variation ID: 89251). Based on the evidence outlined above, the variant was classified as uncertain significance.

Ambry Genetics
Classification: Uncertain significance for Hereditary cancer-predisposing syndrome. Last evaluated: 2026-02-16. Review status: criteria provided, single submitter. Criteria: Ambry Variant Classification Scheme 2023. Collection method: clinical testing. Allele origin: germline.
Comment: The c.2092C>G (p.Q698E) alteration is located in exon 4 (coding exon 4) of the MSH6 gene. This alteration results from a C to G substitution at nucleotide position 2092, causing the glutamine (Q) at amino acid position 698 to be replaced by a glutamic acid (E). Based on data from gnomAD, the G allele has an overall frequency of 0.001% (2/250646) total alleles studied. The highest observed frequency was 0.002% (2/113040) of European (non-Finnish) alleles. Based on insufficient or conflicting evidence, the clinical significance of this alteration remains unclear.

Labcorp Genetics (formerly Invitae), Labcorp
Classification: Likely benign for Hereditary nonpolyposis colorectal neoplasms. Last evaluated: 2026-01-26. Review status: criteria provided, single submitter. Criteria: Invitae Variant Classification Sherloc (09022015). Collection method: clinical testing. Allele origin: germline.

Department of Clinical Genetics, Copenhagen University Hospital, Rigshospitalet
Classification: Uncertain significance for Lynch syndrome. Last evaluated: 2025-12-10. Review status: criteria provided, single submitter. Criteria: ACMG Guidelines, 2015. Collection method: clinical testing. Allele origin: germline.
Comment: The following ACMG criteria has been used: BP4 (MAPP/PP2 combined score : 0.00)

Mayo Clinic Laboratories, Mayo Clinic
Classification: Uncertain significance. Last evaluated: 2025-10-13. Review status: criteria provided, single submitter. Criteria: ACMG Guidelines, 2015. Collection method: clinical testing. Allele origin: germline. Observed: 1 variant allele.
Comment: BP4

Center for Genomic Medicine, Rigshospitalet, Copenhagen University Hospital
Classification: Uncertain significance. Last evaluated: 2025-03-04. Review status: criteria provided, single submitter. Criteria: ACMG Guidelines, 2015. Collection method: clinical testing. Allele origin: germline.

Color Diagnostics, LLC DBA Color Health
Classification: Uncertain significance for Hereditary cancer-predisposing syndrome. Last evaluated: 2025-03-04. Review status: criteria provided, single submitter. Criteria: ACMG Guidelines, 2015. Collection method: clinical testing. Allele origin: germline.
Comment: This missense variant replaces glutamine with glutamic acid at codon 698 of the MSH6 protein. Computational prediction suggests that this variant may not impact protein structure and function. To our knowledge, functional studies have not been reported for this variant. This variant has been reported in individuals affected with or suspected of having Lynch syndrome (PMID: 10480359, 25133505, 31391288, 32635641). This variant has been identified in 2/250646 chromosomes in the general population by the Genome Aggregation Database (gnomAD). The available evidence is insufficient to determine the role of this variant in disease conclusively. Therefore, this variant is classified as a Variant of Uncertain Significance.

Quest Diagnostics Nichols Institute San Juan Capistrano
Classification: Uncertain significance. Last evaluated: 2024-11-20. Review status: criteria provided, single submitter. Criteria: Quest Diagnostics criteria. Collection method: clinical testing. Allele origin: unknown.
Comment: The MSH6 c.2092C>G (p.Gln698Glu) variant has been reported in the published literature in an individual meeting revised Bethesda guidelines (PMID: 25133505 (2014), in an individual with a Lynch syndrome-related cancer (PMID: 31391288 (2020)), in two families with colorectal cancer (PMID: 10480359 (1998), 18566915 (2009)), and in one family with renal cell carcinoma (PMID: 32830346 (2021)). In a large scale breast cancer association study, this variant has been observed in 10 breast cancer cases and 4 reportedly healthy individuals (PMID: 33471991 (2021), see also LOVD). The frequency of this variant in the general population, 0.000008 (2/250646 chromosomes (Genome Aggregation Database)), is uninformative in the assessment of its pathogenicity. Analysis of this variant using bioinformatics tools for the prediction of the effect of amino acid changes on protein structure and function yielded conflicting predictions that this variant is deleterious or benign. Based on the available information, we are unable to determine the clinical significance of this variant.

GeneDx
Classification: Uncertain significance. Last evaluated: 2024-09-03. Review status: criteria provided, single submitter. Criteria: GeneDx Variant Classification Process June 2021. Collection method: clinical testing. Allele origin: germline. Affected: yes.
Comment: Observed in individuals with a personal and/or family history of colorectal cancer (PMID: 10480359, 18566915, 25133505, 32635641); In silico analysis indicates that this missense variant does not alter protein structure/function; Not observed at significant frequency in large population cohorts (gnomAD); This variant is associated with the following publications: (PMID: 25133505, 10480359, 22290698, 23621914, 26333163, 18566915, 32635641, 31391288, 34426522, 33471991, 17531815, 21120944)

Baylor Genetics
Classification: Uncertain significance for Endometrial carcinoma. Last evaluated: 2024-03-13. Review status: criteria provided, single submitter. Criteria: ACMG Guidelines, 2015. Collection method: clinical testing. Allele origin: unknown.

CeGaT Center for Human Genetics Tuebingen
Classification: Uncertain significance. Last evaluated: 2024-03-01. Review status: criteria provided, single submitter. Criteria: CeGaT Center For Human Genetics Tuebingen Variant Classification Criteria Version 2. Collection method: clinical testing. Allele origin: germline. Affected: yes. Observed: 2 variant alleles.
Comment: MSH6: PP2, BP4

KCCC/NGS Laboratory, Kuwait Cancer Control Center
Classification: Uncertain significance for Lynch syndrome 5. Last evaluated: 2023-07-07. Review status: criteria provided, single submitter. Criteria: ACMG Guidelines, 2015. Collection method: clinical testing. Allele origin: unknown. Affected: yes.
Comment: This sequence change replaces glutamine, which is neutral and polar, with glutamic acid, which is acidic and polar, at codon 698 of the MSH6 protein (p.Gln698Glu). This variant is present in population databases (rs63750832, gnomAD 0.003%). This missense change has been observed in individual(s) with colorectal cancer and/or suspected Lynch syndrome PMID: 25133505, 10480359, 22290698, 23621914, 26333163, 18566915, 32635641, 31391288). ClinVar contains an entry for this variant (Variation ID: 89251) with 6 submissions, all of which describe it as of uncertain significance.

Myriad Genetics, Inc.
Classification: Uncertain significance for Lynch syndrome 5. Last evaluated: 2023-03-29. Review status: criteria provided, single submitter. Criteria: Myriad Autosomal Dominant, Autosomal Recessive and X-Linked Classification Criteria (2023). Collection method: clinical testing. Allele origin: unknown.
Comment: This variant is classified as a variant of uncertain significance as there is insufficient evidence to determine its impact on protein function and/or cancer risk.